The following is an entry in ClinVar:

ClinVar aggregate classification (germline): Pathogenic. Review status: criteria provided, multiple submitters, no conflicts (2 of 4 stars). 2 submissions from 2 submitters: Pathogenic (2). Last evaluated 2025-05-14.

Conditions:
Hereditary breast ovarian cancer syndrome. Also called: Breast and ovarian cancer; BRCA1- and BRCA2-Associated Hereditary Breast and Ovarian Cancer; Hereditary breast and ovarian cancer; Hereditary breast and ovarian cancer syndrome (HBOC); Hereditary breast and/or ovarian cancer syndrome; Hereditary breast and ovarian cancer syndrome. Identifiers: Orphanet 145, MedGen C0677776, MeSH D061325, MONDO:0003582. Disease mechanism: loss of function.
Hereditary cancer-predisposing syndrome. Also called: Tumor predisposition; Hereditary neoplastic syndrome; Neoplastic Syndromes, Hereditary; Hereditary Cancer Syndrome. Identifiers: Orphanet 140162, MedGen C0027672, MeSH D009386, MONDO:0015356.

Submissions (2):

Labcorp Genetics (formerly Invitae), Labcorp
Classification: Pathogenic for Hereditary breast ovarian cancer syndrome. Last evaluated: 2025-05-14. Review status: criteria provided, single submitter. Criteria: Invitae Variant Classification Sherloc (09022015). Collection method: clinical testing. Allele origin: germline.
Comment: This sequence change creates a premature translational stop signal (p.Asp2611Glufs*34) in the BRCA2 gene. It is expected to result in an absent or disrupted protein product. Loss-of-function variants in BRCA2 are known to be pathogenic (PMID: 20104584). Information on the frequency of this variant in the gnomAD database is not available, as this variant may be reported differently in the database. This variant has not been reported in the literature in individuals affected with BRCA2-related conditions. For these reasons, this variant has been classified as Pathogenic.

Ambry Genetics
Classification: Pathogenic for Hereditary cancer-predisposing syndrome. Last evaluated: 2020-01-13. Review status: criteria provided, single submitter. Criteria: Ambry Variant Classification Scheme 2023. Collection method: clinical testing. Allele origin: germline.
Comment: The c.7833_7847del15insGTTTA variant, located in coding exon 16 of the BRCA2 gene, results from the deletion of 15 nucleotides and insertion of 5 nucleotides causing a translational frameshift with a predicted alternate stop codon (p.D2611Efs*34). This alteration is expected to result in loss of function by premature protein truncation or nonsense-mediated mRNA decay. As such, this alteration is interpreted as a disease-causing mutation.

Literature cited by the submitters: PubMed 20104584 (cited by Labcorp Genetics (formerly Invitae), Labcorp).

NM_000059.4(BRCA2):c.7833_7847delinsGTTTA (p.Asp2611fs)

Gene: BRCA2 (BRCA2 DNA repair associated; plus strand). Cytogenetic location: 13q13.1.
Variant type: Indel.
Coding change: c.7833_7847delinsGTTTA on transcript NM_000059.4 (MANE Select); coding-DNA positions 7833 to 7847, TCCAAAGCTTATTTC replaced by GTTTA.
Protein change: p.Asp2611fs; shifts the reading frame from aspartic acid 2611.
Molecular consequence: frameshift variant.
Genome position (GRCh38, 1-based): chr13:32,362,550-32,362,564, TCCAAAGCTTATTTC replaced by GTTTA. VCF-style: chr13-32362550-TCCAAAGCTTATTTC-GTTTA. GRCh37 (hg19) VCF-style: chr13-32936687-TCCAAAGCTTATTTC-GTTTA.
Other names: c.7833_7847del15insGTTTA (NM_000059.3); short protein forms D2611fs.
Identifiers: ClinVar variation 856052 (VCV000856052.9), dbSNP rs2072744986, ClinGen allele CA916080523.